The following is an entry in ClinVar:

NM_001365536.1(SCN9A):c.145C>A (p.Pro49Thr)

Gene: SCN9A (sodium voltage-gated channel alpha subunit 9; minus strand). Cytogenetic location: 2q24.3.
Variant type: single nucleotide variant.
Coding change: c.145C>A on transcript NM_001365536.1 (MANE Select); coding-DNA position 145, C replaced by A.
Protein change: p.Pro49Thr; replaces proline 49 with threonine.
Molecular consequence: missense variant.
Genome position (GRCh38, 1-based): chr2:166,311,612, G>T on the plus strand (C>A on the coding strand, the complement: SCN9A is on the minus strand). VCF-style: chr2-166311612-G-T. GRCh37 (hg19) VCF-style: chr2-167168122-G-T.
Other names: c.145C>A, p.Pro49Thr (NM_002977.4); short protein forms P49T.
Identifiers: ClinVar variation 3756484 (VCV003756484.2).
Genomic context (GRCh38, chr2:166,311,612, plus strand): 5'-CGGGAGGAATGTCCCCATAGATGAAGGGCAGCTGTTTGCCAGCTTCCAAGTCACTGCTTG[G>T]CTTTGGGGCTTCTTCATCATCATCTTTCTTTTCTTCTTTGGGTTCCTTTGATTTTCTTTC-3'
Protein context (NP_001352465.1, residues 39-59): KKDDDEEAPK[Pro49Thr]SSDLEAGKQL

ClinVar aggregate classification (germline): Uncertain significance (1 of 4 stars; one submission).

Conditions:
Neuropathy, hereditary sensory and autonomic, type 2A (HSAN2A). Also called: MORVAN DISEASE; NEUROPATHY, CONGENITAL SENSORY; NEUROPATHY, HEREDITARY SENSORY RADICULAR, AUTOSOMAL RECESSIVE; NEUROPATHY, HEREDITARY SENSORY, TYPE IIA; NEUROPATHY, PROGRESSIVE SENSORY, OF CHILDREN; ACROOSTEOLYSIS, GIACCAI TYPE. Identifiers: Orphanet 970, MedGen C2752089, MONDO:0024309, OMIM 201300.
Generalized epilepsy with febrile seizures plus, type 7 (GEFSP7). Also called: GEFS+, TYPE 7. Identifiers: Orphanet 36387, MedGen C2751778, MONDO:0013470, OMIM 613863.

Submission:

Labcorp Genetics (formerly Invitae), Labcorp
Classification: Uncertain significance for Neuropathy, hereditary sensory and autonomic, type 2A; Generalized epilepsy with febrile seizures plus, type 7. Last evaluated: 2024-05-31. Review status: criteria provided, single submitter. Criteria: Invitae Variant Classification Sherloc (09022015). Collection method: clinical testing. Allele origin: germline.
Comment: This sequence change replaces proline, which is neutral and non-polar, with threonine, which is neutral and polar, at codon 49 of the SCN9A protein (p.Pro49Thr). This variant is not present in population databases (gnomAD no frequency). This variant has not been reported in the literature in individuals affected with SCN9A-related conditions. Advanced modeling of protein sequence and biophysical properties (such as structural, functional, and spatial information, amino acid conservation, physicochemical variation, residue mobility, and thermodynamic stability) performed at Invitae indicates that this missense variant is not expected to disrupt SCN9A protein function with a negative predictive value of 95%. In summary, the available evidence is currently insufficient to determine the role of this variant in disease. Therefore, it has been classified as a Variant of Uncertain Significance.